The following is an entry in ClinVar:

NM_001365951.3(KIF1B):c.3950G>A (p.Gly1317Asp)

Gene: KIF1B (kinesin family member 1B; plus strand). Cytogenetic location: 1p36.22.
Variant type: single nucleotide variant.
Coding change: c.3950G>A on transcript NM_001365951.3 (MANE Select); coding-DNA position 3950, G replaced by A.
Protein change: p.Gly1317Asp; replaces glycine 1317 with aspartic acid.
Molecular consequence: missense variant.
Genome position (GRCh38, 1-based): chr1:10,352,631, G>A. VCF-style: chr1-10352631-G-A. GRCh37 (hg19) VCF-style: chr1-10412689-G-A.
Other names: c.3950G>A, p.Gly1317Asp (NM_001365952.1); c.3812G>A, p.Gly1271Asp (NM_015074.3); short protein forms G1271D, G1317D.
Identifiers: ClinVar variation 1735169 (VCV001735169.2), dbSNP rs2521827769, ClinGen allele CA338344306.

ClinVar aggregate classification (germline): Uncertain significance (1 of 4 stars; one submission).

Allele frequency attached by ClinVar (database versions not stated): gnomAD exomes below 0.00001.
gnomAD v4.1: 1 of 1,611,342 alleles (0.000062%); highest among the groups gnomAD compares: Non-Finnish European, 0.000085%; no homozygotes.

Submission:

Ambry Genetics
Classification: Uncertain significance. Last evaluated: 2023-10-24. Review status: criteria provided, single submitter. Criteria: Ambry Variant Classification Scheme 2023. Collection method: clinical testing. Allele origin: germline.
Comment: The p.G1271D variant (also known as c.3812G>A) is located in coding exon 35 of the KIF1B gene. The glycine at codon 1271 is replaced by aspartic acid, an amino acid with similar properties. This change occurs in the first base pair of coding exon 35. This amino acid position is highly conserved in available vertebrate species. In addition, this alteration is predicted to be deleterious by in silico analysis. The evidence for this gene-disease relationship is limited; therefore, the clinical significance of this alteration is unclear.